The following is an entry in ClinVar:

NM_001004334.4(GPR179):c.850A>G (p.Ser284Gly)

Gene: GPR179 (G protein-coupled receptor 179; minus strand). Cytogenetic location: 17q12.
Variant type: single nucleotide variant.
Coding change: c.850A>G on transcript NM_001004334.4 (MANE Select); coding-DNA position 850, A replaced by G.
Protein change: p.Ser284Gly; replaces serine 284 with glycine.
Molecular consequence: missense variant.
Genome position (GRCh38, 1-based): chr17:38,339,470, T>C on the plus strand (A>G on the coding strand, the complement: GPR179 is on the minus strand). VCF-style: chr17-38339470-T-C. GRCh37 (hg19) VCF-style: chr17-36495353-T-C.
Other names: short protein forms S284G.
Identifiers: ClinVar variation 1369546 (VCV001369546.8), dbSNP rs746778478, ClinGen allele CA290110166.

ClinVar aggregate classification (germline): Uncertain significance (1 of 4 stars; one submission).

Allele frequency attached by ClinVar (database versions not stated): gnomAD exomes below 0.00001; ExAC 0.00001.
gnomAD v4.1: 1 of 1,614,078 alleles (0.000062%); highest among the groups gnomAD compares: Middle Eastern, 0.016%; no homozygotes.

Submission:

Labcorp Genetics (formerly Invitae), Labcorp
Classification: Uncertain significance. Last evaluated: 2023-07-07. Review status: criteria provided, single submitter. Criteria: Invitae Variant Classification Sherloc (09022015). Collection method: clinical testing. Allele origin: germline.
Comment: This variant has not been reported in the literature in individuals affected with GPR179-related conditions. This variant is present in population databases (rs746778478, gnomAD 0.006%). This sequence change replaces serine, which is neutral and polar, with glycine, which is neutral and non-polar, at codon 284 of the GPR179 protein (p.Ser284Gly). In summary, the available evidence is currently insufficient to determine the role of this variant in disease. Therefore, it has been classified as a Variant of Uncertain Significance. Algorithms developed to predict the effect of missense changes on protein structure and function output the following: SIFT: "Not Available"; PolyPhen-2: "Benign"; Align-GVGD: "Not Available". The glycine amino acid residue is found in multiple mammalian species, which suggests that this missense change does not adversely affect protein function. ClinVar contains an entry for this variant (Variation ID: 1369546).